The following is an entry in ClinVar:

ClinVar aggregate classification (germline): Uncertain significance. Review status: criteria provided, multiple submitters, no conflicts (2 of 4 stars). 2 submissions from 2 submitters: Uncertain significance (2). Last evaluated 2024-10-22.

Conditions:
Inborn genetic diseases. Identifiers: MedGen C0950123, MeSH D030342.

Allele frequency attached by ClinVar (database versions not stated): gnomAD exomes below 0.00001; TOPMed below 0.00001; ExAC 0.00001.
gnomAD v4.1: 2 of 1,614,144 alleles (0.00012%); highest among the groups gnomAD compares: Admixed American, 0.0033%; no homozygotes.

Submissions (2):

Labcorp Genetics (formerly Invitae), Labcorp
Classification: Uncertain significance. Last evaluated: 2024-10-22. Review status: criteria provided, single submitter. Criteria: Invitae Variant Classification Sherloc (09022015). Collection method: clinical testing. Allele origin: germline.
Comment: This sequence change replaces alanine, which is neutral and non-polar, with valine, which is neutral and non-polar, at codon 572 of the XPR1 protein (p.Ala572Val). This variant is present in population databases (rs746114689, gnomAD 0.003%). This variant has not been reported in the literature in individuals affected with XPR1-related conditions. ClinVar contains an entry for this variant (Variation ID: 1948000). Invitae Evidence Modeling of protein sequence and biophysical properties (such as structural, functional, and spatial information, amino acid conservation, physicochemical variation, residue mobility, and thermodynamic stability) indicates that this missense variant is not expected to disrupt XPR1 protein function with a negative predictive value of 80%. In summary, the available evidence is currently insufficient to determine the role of this variant in disease. Therefore, it has been classified as a Variant of Uncertain Significance.

Ambry Genetics
Classification: Uncertain significance for Inborn genetic diseases. Last evaluated: 2024-07-07. Review status: criteria provided, single submitter. Criteria: Ambry Variant Classification Scheme 2023. Collection method: clinical testing. Allele origin: germline.

NM_004736.4(XPR1):c.1715C>T (p.Ala572Val)

Gene: XPR1 (xenotropic and polytropic retrovirus receptor 1; plus strand). Cytogenetic location: 1q25.3.
Variant type: single nucleotide variant.
Coding change: c.1715C>T on transcript NM_004736.4 (MANE Select); coding-DNA position 1715, C replaced by T.
Protein change: p.Ala572Val; replaces alanine 572 with valine.
Molecular consequence: missense variant. On other transcripts: non-coding transcript variant (1).
Genome position (GRCh38, 1-based): chr1:180,873,849, C>T. VCF-style: chr1-180873849-C-T. GRCh37 (hg19) VCF-style: chr1-180842985-C-T.
Other names: c.1520C>T, p.Ala507Val (NM_001135669.2); c.1715C>T (NM_004736.3); short protein forms A507V, A572V.
Identifiers: ClinVar variation 1948000 (VCV001948000.6), dbSNP rs746114689, ClinGen allele CA1272825.
Genomic context (GRCh38, chr1:180,873,849, plus strand): 5'-TTATTATTTCTCAGGCCTACTACTACTGTGCCATAATAGAGGATGTGATTCTGCGCTTTG[C>T]TTGGACTATCCAAATCTCGATTACCTCTACAACTTTGTTGCCTCATTCTGGGGACATCAT-3'
Protein context (NP_004727.2, residues 562-582): AIIEDVILRF[Ala572Val]WTIQISITST